The following is an entry in ClinVar:

NM_002691.4(POLD1):c.797T>G (p.Leu266Arg)

Gene: POLD1 (DNA polymerase delta 1, catalytic subunit; plus strand). Cytogenetic location: 19q13.33.
Variant type: single nucleotide variant.
Coding change: c.797T>G on transcript NM_002691.4 (MANE Select); coding-DNA position 797, T replaced by G.
Protein change: p.Leu266Arg; replaces leucine 266 with arginine.
Molecular consequence: missense variant. On other transcripts: non-coding transcript variant (1).
Genome position (GRCh38, 1-based): chr19:50,402,492, T>G. VCF-style: chr19-50402492-T-G. GRCh37 (hg19) VCF-style: chr19-50905749-T-G.
Other names: c.797T>G (NM_002691.2); c.797T>G, p.Leu266Arg (NM_001256849.1, NM_001308632.1); short protein forms L266R.
Identifiers: ClinVar variation 2955248 (VCV002955248.4), dbSNP rs985636340, ClinGen allele CA309599746.

ClinVar aggregate classification (germline): Uncertain significance. Review status: criteria provided, multiple submitters, no conflicts (2 of 4 stars). 2 submissions from 2 submitters: Uncertain significance (2). Last evaluated 2026-02-24.

Conditions:
Hereditary cancer-predisposing syndrome. Also called: Neoplastic Syndromes, Hereditary; Tumor predisposition; Hereditary Cancer Syndrome; Hereditary neoplastic syndrome. Identifiers: Orphanet 140162, MedGen C0027672, MeSH D009386, MONDO:0015356.
POLD1-related polyposis and colorectal cancer syndrome (CRCS10). Also called: Colorectal cancer 10; COLORECTAL CANCER, SUSCEPTIBILITY TO, ON CHROMOSOME 19q; Colorectal cancer, susceptibility to, 10. Identifiers: Orphanet 220460, MedGen C2675481, MONDO:0012953, OMIM 612591.

Submissions (2):

Ambry Genetics
Classification: Uncertain significance for Hereditary cancer-predisposing syndrome. Last evaluated: 2026-02-24. Review status: criteria provided, single submitter. Criteria: Ambry Variant Classification Scheme 2023. Collection method: clinical testing. Allele origin: germline.
Comment: The p.L266R variant (also known as c.797T>G), located in coding exon 6 of the POLD1 gene, results from a T to G substitution at nucleotide position 797. The leucine at codon 266 is replaced by arginine, an amino acid with dissimilar properties. This amino acid position is conserved. In addition, the in silico prediction for this alteration is inconclusive. Based on the available evidence, the clinical significance of this variant remains unclear.

Labcorp Genetics (formerly Invitae), Labcorp
Classification: Uncertain significance for POLD1-related polyposis and colorectal cancer syndrome. Last evaluated: 2024-08-28. Review status: criteria provided, single submitter. Criteria: Invitae Variant Classification Sherloc (09022015). Collection method: clinical testing. Allele origin: germline.
Comment: This sequence change replaces leucine, which is neutral and non-polar, with arginine, which is basic and polar, at codon 266 of the POLD1 protein (p.Leu266Arg). This variant is not present in population databases (gnomAD no frequency). This variant has not been reported in the literature in individuals affected with POLD1-related conditions. Invitae Evidence Modeling of protein sequence and biophysical properties (such as structural, functional, and spatial information, amino acid conservation, physicochemical variation, residue mobility, and thermodynamic stability) indicates that this missense variant is not expected to disrupt POLD1 protein function with a negative predictive value of 80%. In summary, the available evidence is currently insufficient to determine the role of this variant in disease. Therefore, it has been classified as a Variant of Uncertain Significance.